The following is an entry in ClinVar:

NM_013382.7(POMT2):c.1628T>C (p.Leu543Pro)

Gene: POMT2 (protein O-mannosyltransferase 2; minus strand). Cytogenetic location: 14q24.3.
Variant type: single nucleotide variant.
Coding change: c.1628T>C on transcript NM_013382.7 (MANE Select); coding-DNA position 1628, T replaced by C.
Protein change: p.Leu543Pro; replaces leucine 543 with proline.
Molecular consequence: missense variant.
Genome position (GRCh38, 1-based): chr14:77,283,822, A>G on the plus strand (T>C on the coding strand, the complement: POMT2 is on the minus strand). VCF-style: chr14-77283822-A-G. GRCh37 (hg19) VCF-style: chr14-77750165-A-G.
Other names: short protein forms L543P.
Identifiers: ClinVar variation 4783469 (VCV004783469.1).
Genomic context (GRCh38, chr14:77,283,822, plus strand): 5'-TTAGAGACGCCATGAAATGAGAAGGGGACACATACCCGGATCATGACCATGTGGGATTCC[A>G]GCAAGATCTCAGGAAAACTGGGCTGTAGCACATCCAGGCTGATGTTTGGCACTAGGGGAA-3'
Protein context (NP_037514.2, residues 533-553): VLQPSFPEIL[Leu543Pro]ESHMVMIRGN

ClinVar aggregate classification (germline): Uncertain significance (1 of 4 stars; one submission).

Conditions:
Muscular dystrophy-dystroglycanopathy (congenital with impaired intellectual development), type B, 2. Also called: MUSCULAR DYSTROPHY, CONGENITAL, POMT2-RELATED; Muscular dystrophy-dystroglycanopathy (congenital with intellectual disability), type B2. Identifiers: MedGen C3150416, MONDO:0013160, OMIM 613156.
Autosomal recessive limb-girdle muscular dystrophy type 2N. Also called: MUSCULAR DYSTROPHY-DYSTROGLYCANOPATHY, LIMB-GIRDLE, POMT2-RELATED; Muscular dystrophy-dystroglycanopathy (limb-girdle), type C, 2. Identifiers: Orphanet 206559, MedGen C3150418, MONDO:0013162, OMIM 613158.
Muscular dystrophy-dystroglycanopathy (congenital with brain and eye anomalies), type A2. Also called: MUSCULAR DYSTROPHY-DYSTROGLYCANOPATHY (CONGENITAL WITH BRAIN AND EYE ANOMALIES), TYPE A, 2; WALKER-WARBURG SYNDROME OR MUSCLE-EYE-BRAIN DISEASE, POMT2-RELATED. Identifiers: Orphanet 588, Orphanet 899, MedGen C3150411, MONDO:0013154, OMIM 613150.

Submission:

Labcorp Genetics (formerly Invitae), Labcorp
Classification: Uncertain significance for Muscular dystrophy-dystroglycanopathy (congenital with impaired intellectual development), type B, 2; Muscular dystrophy-dystroglycanopathy (congenital with brain and eye anomalies), type A2; Autosomal recessive limb-girdle muscular dystrophy type 2N. Last evaluated: 2025-11-26. Review status: criteria provided, single submitter. Criteria: Invitae Variant Classification Sherloc (09022015). Collection method: clinical testing. Allele origin: germline.
Comment: This sequence change replaces leucine, which is neutral and non-polar, with proline, which is neutral and non-polar, at codon 543 of the POMT2 protein (p.Leu543Pro). This variant is not present in population databases (gnomAD no frequency). This variant has not been reported in the literature in individuals affected with POMT2-related conditions. Invitae Evidence Modeling of protein sequence and biophysical properties (such as structural, functional, and spatial information, amino acid conservation, physicochemical variation, residue mobility, and thermodynamic stability) has been performed for this missense variant. However, the output from this modeling did not meet the statistical confidence thresholds required to predict the impact of this variant on POMT2 protein function. In summary, the available evidence is currently insufficient to determine the role of this variant in disease. Therefore, it has been classified as a Variant of Uncertain Significance.